The following is an entry in ClinVar:

ClinVar aggregate classification (germline): Uncertain significance (1 of 4 stars; one submission).

Allele frequency attached by ClinVar (database versions not stated): gnomAD exomes below 0.00001.
gnomAD v4.1: 1 of 1,613,378 alleles (0.000062%); highest among the groups gnomAD compares: Non-Finnish European, 0.000085%; no homozygotes.

Submission:

Labcorp Genetics (formerly Invitae), Labcorp
Classification: Uncertain significance. Last evaluated: 2022-09-07. Review status: criteria provided, single submitter. Criteria: Invitae Variant Classification Sherloc (09022015). Collection method: clinical testing. Allele origin: germline.
Comment: In summary, the available evidence is currently insufficient to determine the role of this variant in disease. Therefore, it has been classified as a Variant of Uncertain Significance. Algorithms developed to predict the effect of missense changes on protein structure and function (SIFT, PolyPhen-2, Align-GVGD) all suggest that this variant is likely to be disruptive. This variant has not been reported in the literature in individuals affected with DMXL2-related conditions. This variant is not present in population databases (gnomAD no frequency). This sequence change replaces aspartic acid, which is acidic and polar, with histidine, which is basic and polar, at codon 262 of the DMXL2 protein (p.Asp262His).

NM_001378457.1(DMXL2):c.784G>C (p.Asp262His)

Gene: DMXL2 (Dmx like 2; minus strand). Cytogenetic location: 15q21.2.
Variant type: single nucleotide variant.
Coding change: c.784G>C on transcript NM_001378457.1 (MANE Select); coding-DNA position 784, G replaced by C.
Protein change: p.Asp262His; replaces aspartic acid 262 with histidine.
Molecular consequence: missense variant. On other transcripts: non-coding transcript variant (2).
Genome position (GRCh38, 1-based): chr15:51,545,729, C>G on the plus strand (G>C on the coding strand, the complement: DMXL2 is on the minus strand). VCF-style: chr15-51545729-C-G. GRCh37 (hg19) VCF-style: chr15-51837926-C-G.
Other names: c.784G>C, p.Asp262His (NM_001174116.3, NM_001174117.3, NM_001378458.1 and 7 more transcripts); short protein forms D262H.
Identifiers: ClinVar variation 1999690 (VCV001999690.3), dbSNP rs2048851501, ClinGen allele CA392469132.